The following is an entry in ClinVar:

ClinVar aggregate classification (germline): Likely pathogenic. Review status: criteria provided, multiple submitters, no conflicts (2 of 4 stars). 2 submissions from 2 submitters: Likely pathogenic (2). Last evaluated 2024-10-22.

Conditions:
Pontocerebellar hypoplasia type 6 (PCH6). Identifiers: Orphanet 166073, MedGen C1969084, MONDO:0012683, OMIM 611523.

Submissions (2):

Natera, Inc.
Classification: Likely pathogenic for Pontocerebellar hypoplasia, type 6. Last evaluated: 2024-10-22. Review status: criteria provided, single submitter. Criteria: Natera Variant Classification Schema (03/2026). Collection method: clinical testing. Allele origin: germline.
Comment: The c.723G>A variant in RARS2 is a nonsense variant predicted to introduce a stop codon at amino acid 241. This variant is expected to result in nonsense mediated decay, truncation, or a dysfunctional protein product. This variant is rare in the general population with a frequency below the threshold expected for the associated phenotype(s). Given the available evidence, this variant is classified as Likely Pathogenic.

Baylor Genetics
Classification: Likely pathogenic for Pontocerebellar hypoplasia type 6. Last evaluated: 2023-07-14. Review status: criteria provided, single submitter. Criteria: ACMG Guidelines, 2015. Collection method: clinical testing. Allele origin: unknown.

NM_020320.5(RARS2):c.723G>A (p.Trp241Ter)

Gene: RARS2 (arginyl-tRNA synthetase 2, mitochondrial; minus strand). Cytogenetic location: 6q15.
Variant type: single nucleotide variant.
Coding change: c.723G>A on transcript NM_020320.5 (MANE Select); coding-DNA position 723, G replaced by A.
Protein change: p.Trp241Ter; replaces tryptophan 241 with a stop codon.
Molecular consequence: nonsense. On other transcripts: non-coding transcript variant (23).
Genome position (GRCh38, 1-based): chr6:87,530,832, C>T on the plus strand (G>A on the coding strand, the complement: RARS2 is on the minus strand). VCF-style: chr6-87530832-C-T. GRCh37 (hg19) VCF-style: chr6-88240550-C-T.
Other names: c.198G>A, p.Trp66Ter (NM_001318785.2, NM_001350506.2, NM_001350507.2 and 4 more transcripts); c.723G>A, p.Trp241Ter (NM_001350505.2); c.723G>A (NM_020320.4); short protein forms W241*, W66*.
Identifiers: ClinVar variation 2678251 (VCV002678251.2), dbSNP rs2483590050, ClinGen allele CA364929393.
Genomic context (GRCh38, chr6:87,530,832, plus strand): 5'-GTCAACCAATACCTTGTAAACCCGAATGTACTCTTCAATGCTCAAGTCCCGAAATTTTTG[C>T]CACAGTGAAAGTGCTTGCACATCGCCCAGTTCCAATCGTTGGAAGAACTCCTGTGCTGCT-3'